The following is an entry in ClinVar:

ClinVar aggregate classification (germline): Pathogenic. Review status: criteria provided, multiple submitters, no conflicts (2 of 4 stars). 2 submissions from 2 submitters: Pathogenic (2). Last evaluated 2023-05-19.

Conditions:
Pheochromocytoma. Also called: MAX-Related Hereditary Paraganglioma-Pheochromocytoma Syndrome. Identifiers: Orphanet 29072, MedGen C0031511, MONDO:0008233, OMIM 171300, HP:0002666.
Pheochromocytoma/paraganglioma syndrome 4. Also called: CAROTID BODY TUMORS AND MULTIPLE EXTRAADRENAL PHEOCHROMOCYTOMAS; PARAGANGLIOMA, FAMILIAL MALIGNANT; PARAGANGLIOMAS, HEREDITARY EXTRAADRENAL; PHEOCHROMOCYTOMA, FAMILIAL EXTRAADRENAL; Paragangliomas 4; SDHB-Related Hereditary Paraganglioma-Pheochromocytoma Syndrome (Paragangliomas 4). Identifiers: Orphanet 29072, MedGen C1861848, MONDO:0007273, OMIM 115310.
Gastrointestinal stromal tumor. Also called: Gastrointestinal stromal tumor, somatic; Gastrointestinal stroma tumor. Identifiers: Orphanet 44890, MedGen C0238198, MeSH D046152, MONDO:0011719, OMIM 606764, HP:0100723.
Hereditary cancer-predisposing syndrome. Also called: Neoplastic Syndromes, Hereditary; Tumor predisposition; Hereditary Cancer Syndrome; Hereditary neoplastic syndrome. Identifiers: Orphanet 140162, MedGen C0027672, MeSH D009386, MONDO:0015356.

Submissions (2):

Labcorp Genetics (formerly Invitae), Labcorp
Classification: Pathogenic for Gastrointestinal stromal tumor; Pheochromocytoma/paraganglioma syndrome 4; Pheochromocytoma. Last evaluated: 2023-05-19. Review status: criteria provided, single submitter. Criteria: Invitae Variant Classification Sherloc (09022015). Collection method: clinical testing. Allele origin: germline.
Comment: This variant has not been reported in the literature in individuals affected with SDHB-related conditions. This sequence change creates a premature translational stop signal (p.Thr227Argfs*28) in the SDHB gene. While this is not anticipated to result in nonsense mediated decay, it is expected to disrupt the last 54 amino acid(s) of the SDHB protein. This variant is not present in population databases (gnomAD no frequency). ClinVar contains an entry for this variant (Variation ID: 1755530). This variant disrupts a region of the SDHB protein in which other variant(s) (p.Ser239Tyrfs*8) have been determined to be pathogenic (PMID: 14685938, 15328326; Invitae). This suggests that this is a clinically significant region of the protein, and that variants that disrupt it are likely to be disease-causing. For these reasons, this variant has been classified as Pathogenic.

Ambry Genetics
Classification: Pathogenic for Hereditary cancer-predisposing syndrome. Last evaluated: 2022-09-19. Review status: criteria provided, single submitter. Criteria: Ambry Variant Classification Scheme 2023. Collection method: clinical testing. Allele origin: germline.
Comment: The c.680_681delCA variant, located in coding exon 7 of the SDHB gene, results from a deletion of two nucleotides at nucleotide positions 680 to 681, causing a translational frameshift with a predicted alternate stop codon (p.T227Rfs*28). This alteration occurs at the 3' terminus of theSDHB gene, is not expected to trigger nonsense-mediated mRNA decay, and only impacts the last 54 amino acids of the protein. However, premature stop codons are typically deleterious in nature and the impacted region is critical for protein function (Ambry internal data). This alteration has been observed in at least one individual with a personal and/or family history that is consistent with SDHB-related disease (Ambry internal data). This variant is considered to be rare based on population cohorts in the Genome Aggregation Database (gnomAD). Based on the supporting evidence, this alteration is interpreted as a disease-causing mutation.

Literature cited by the submitters: PubMed 14685938 (cited by Labcorp Genetics (formerly Invitae), Labcorp); PubMed 15328326 (cited by Labcorp Genetics (formerly Invitae), Labcorp).

NM_003000.3(SDHB):c.680_681del (p.Thr227fs)

Gene: SDHB (succinate dehydrogenase complex iron sulfur subunit B; minus strand). Cytogenetic location: 1p36.13.
Variant type: Microsatellite.
Coding change: c.680_681del on transcript NM_003000.3 (MANE Select); coding-DNA positions 680 to 681, 2 bases deleted (CA; older notation c.680_681delCA).
Protein change: p.Thr227fs; shifts the reading frame from threonine 227.
Molecular consequence: frameshift variant.
Genome position (GRCh38, 1-based): chr1:17,022,692-17,022,693, TG deleted on the plus strand (CA on the coding strand, the reverse complement: SDHB is on the minus strand); deleting any 2 consecutive bases within chr1:17,022,692-17,022,695 gives the same sequence; the c. name uses the placement nearest the transcript's 3' end. VCF-style (leftmost placement, unchanged base first): chr1-17022691-CTG-C. GRCh37 (hg19) VCF-style: chr1-17349186-CTG-C.
Other names: c.680_681delCA (NM_003000.2); c.624_625CA[1], p.Thr209Argfs (NM_001407361.1); c.678_679CA[1], p.Thr227Argfs (NM_003000.2); short protein forms T227fs.
Identifiers: ClinVar variation 1755530 (VCV001755530.5), dbSNP rs2525004214, ClinGen allele CA2580611140.